The following is an entry in ClinVar:

NM_001287.6(CLCN7):c.1306C>T (p.Arg436Trp)

Gene: CLCN7 (Cl-/H+ antiporter 7; minus strand). Cytogenetic location: 16p13.3.
Variant type: single nucleotide variant.
Coding change: c.1306C>T on transcript NM_001287.6 (MANE Select); coding-DNA position 1306, C replaced by T.
Protein change: p.Arg436Trp; replaces arginine 436 with tryptophan.
Molecular consequence: missense variant.
Genome position (GRCh38, 1-based): chr16:1,452,802, G>A on the plus strand (C>T on the coding strand, the complement: CLCN7 is on the minus strand). VCF-style: chr16-1452802-G-A. GRCh37 (hg19) VCF-style: chr16-1502803-G-A.
Other names: c.1234C>T, p.Arg412Trp (NM_001114331.3); short protein forms R412W, R436W.
Identifiers: ClinVar variation 1357674 (VCV001357674.8), dbSNP rs746656282, ClinGen allele CA7810328.

ClinVar aggregate classification (germline): Uncertain significance. Review status: criteria provided, multiple submitters, no conflicts (2 of 4 stars). 2 submissions from 2 submitters: Uncertain significance (2). Last evaluated 2025-01-19.

Allele frequency attached by ClinVar (database versions not stated): TOPMed 0.00002; gnomAD 0.00002.

Submissions (2):

Dasa
Classification: Uncertain significance. Last evaluated: 2025-01-19. Review status: criteria provided, single submitter. Criteria: DASA Assertion Criteria. Collection method: clinical testing. Allele origin: germline.
Comment: NM_001287.6(CLCN7):c.1306C>T (p.Arg436Trp) is a missense variant that results in the substitution of arginine with tryptophan. This variant is rare in population databases. The currently available literature and clinical evidence are not sufficient to establish a definitive association between this variant and the reported condition. Therefore, this variant is classified as a variant of uncertain significance.

Labcorp Genetics (formerly Invitae), Labcorp
Classification: Uncertain significance. Last evaluated: 2024-04-09. Review status: criteria provided, single submitter. Criteria: Invitae Variant Classification Sherloc (09022015). Collection method: clinical testing. Allele origin: germline.
Comment: This sequence change replaces arginine, which is basic and polar, with tryptophan, which is neutral and slightly polar, at codon 436 of the CLCN7 protein (p.Arg436Trp). The frequency data for this variant in the population databases is considered unreliable, as metrics indicate poor data quality at this position in the gnomAD database. This variant has not been reported in the literature in individuals affected with CLCN7-related conditions. ClinVar contains an entry for this variant (Variation ID: 1357674). An algorithm developed to predict the effect of missense changes on protein structure and function (PolyPhen-2) suggests that this variant is likely to be disruptive. In summary, the available evidence is currently insufficient to determine the role of this variant in disease. Therefore, it has been classified as a Variant of Uncertain Significance.